The following is an entry in ClinVar:

ClinVar aggregate classification (germline): Benign/Likely benign. Review status: criteria provided, multiple submitters, no conflicts (2 of 4 stars). 20 submissions from 18 submitters: Benign (13); Likely benign (3). 4 of the submissions do not count toward it. Last evaluated 2026-02-03.

Conditions:
Desmin-related myofibrillar myopathy (MFM1). Also called: MYOFIBRILLAR MYOPATHY WITH ARRHYTHMOGENIC RIGHT VENTRICULAR CARDIOMYOPATHY; DESMIN-RELATED MYOPATHY WITH ARRHYTHMOGENIC RIGHT VENTRICULAR CARDIOMYOPATHY; Myofibrillar myopathy 1; Desmin related myopathy (former name); Desmin storage myopathy (former name); Desminopathy. Identifiers: Orphanet 363543, Orphanet 98909, MedGen C1832370, MONDO:0011076, OMIM 601419.
Cardiovascular phenotype. Identifiers: MedGen CN230736.
Cardiomyopathy (CMYO). Also called: Cardiomyopathies. Identifiers: Orphanet 167848, MedGen C0878544, MONDO:0004994, HP:0001638. Inheritance: Various modes of inheritance.
Dilated cardiomyopathy 1I (CMD1I). Identifiers: Orphanet 154, MedGen C1858154, MONDO:0011482, OMIM 604765.
Neurogenic scapuloperoneal syndrome, Kaeser type (SCPNK). Also called: KAESER SYNDROME. Identifiers: Orphanet 85146, MedGen C1867005, MONDO:0008407, OMIM 181400.

Allele frequency attached by ClinVar (database versions not stated): gnomAD 0.02676 and 0.02876; gnomAD exomes 0.00745 and 0.00305; ESP Exome Variant Server 0.02653; ExAC 0.00857; 1000 Genomes Project 0.02935; TOPMed 0.03014; 1000 Genomes Project 30x 0.03045.
gnomAD v4.1: 8,730 of 1,614,180 alleles (0.54%); highest among the groups gnomAD compares: African/African-American, 9.1%; 315 homozygotes.

Submissions (20):

Labcorp Genetics (formerly Invitae), Labcorp
Classification: Benign for Desmin-related myofibrillar myopathy. Last evaluated: 2026-02-03. Review status: criteria provided, single submitter. Criteria: Invitae Variant Classification Sherloc (09022015). Collection method: clinical testing. Allele origin: germline.

ARUP Laboratories, Molecular Genetics and Genomics, ARUP Laboratories
Classification: Benign. Last evaluated: 2025-05-20. Review status: criteria provided, single submitter. Criteria: ARUP Molecular Germline Variant Investigation Process 2024. Collection method: clinical testing. Allele origin: germline.

Molecular Diagnostic Laboratory for Inherited Cardiovascular Disease, Montreal Heart Institute
Classification: Benign. Last evaluated: 2025-04-09. Review status: criteria provided, single submitter. Criteria: ACMG Guidelines, 2015. Collection method: clinical testing. Allele origin: germline. Affected: no.

Illumina Laboratory Services, Illumina
Classification: Benign for Neurogenic scapuloperoneal syndrome, Kaeser type. Last evaluated: 2018-01-13. Review status: criteria provided, single submitter. Criteria: ICSL Variant Classification Criteria 13 December 2019. Collection method: clinical testing. Allele origin: germline.
Comment: This variant was observed in the ICSL laboratory as part of a predisposition screen in an ostensibly healthy population. It had not been previously curated by ICSL or reported in the Human Gene Mutation Database (HGMD: prior to June 1st, 2018), and was therefore a candidate for classification through an automated scoring system. Utilizing variant allele frequency, disease prevalence and penetrance estimates, and inheritance mode, an automated score was calculated to assess if this variant is too frequent to cause the disease. Based on the score and internal cut-off values, a variant classified as benign is not then subjected to further curation. The score for this variant resulted in a classification of benign for this disease.

Illumina Laboratory Services, Illumina
Classification: Likely benign for Dilated cardiomyopathy 1I. Last evaluated: 2018-01-13. Review status: criteria provided, single submitter. Criteria: ICSL Variant Classification Criteria 13 December 2019. Collection method: clinical testing. Allele origin: germline.
Comment: This variant was observed in the ICSL laboratory as part of a predisposition screen in an ostensibly healthy population. It had not been previously curated by ICSL or reported in the Human Gene Mutation Database (HGMD: prior to June 1st, 2018), and was therefore a candidate for classification through an automated scoring system. Utilizing variant allele frequency, disease prevalence and penetrance estimates, and inheritance mode, an automated score was calculated to assess if this variant is too frequent to cause the disease. Based on the score and internal cut-off values, a variant classified as likely benign is not then subjected to further curation. The score for this variant resulted in a classification of likely benign for this disease.

Illumina Laboratory Services, Illumina
Classification: Likely benign for Myofibrillar myopathy 1. Last evaluated: 2018-01-13. Review status: criteria provided, single submitter. Criteria: ICSL Variant Classification Criteria 13 December 2019. Collection method: clinical testing. Allele origin: germline.
Comment: the same text as in the submission from Illumina Laboratory Services, Illumina above.

Mayo Clinic Laboratories, Mayo Clinic
Classification: Benign. Last evaluated: 2017-12-11. Review status: criteria provided, single submitter. Criteria: ACMG Guidelines, 2015. Collection method: clinical testing. Allele origin: germline. Observed: 59 variant alleles.

Ambry Genetics
Classification: Benign for Cardiovascular phenotype. Last evaluated: 2015-12-07. Review status: criteria provided, single submitter. Criteria: Ambry Variant Classification Scheme 2023. Collection method: clinical testing. Allele origin: germline.

CHEO Genetics Diagnostic Laboratory, Children's Hospital of Eastern Ontario
Classification: Benign for Cardiomyopathy. Last evaluated: 2015-09-15. Review status: criteria provided, single submitter. Criteria: ACMG Guidelines, 2015. Collection method: clinical testing. Allele origin: germline. Study: Canadian Open Genetics Repository.

GeneDx
Classification: Benign. Last evaluated: 2015-03-03. Review status: criteria provided, single submitter. Criteria: GeneDx Variant Classification Process June 2021. Collection method: clinical testing. Allele origin: germline. Affected: yes.

Genetic Services Laboratory, University of Chicago
Classification: Benign for AllHighlyPenetrant. Last evaluated: 2013-08-15. Review status: criteria provided, single submitter. Criteria: ACMG Guidelines, 2007. Collection method: clinical testing. Allele origin: germline. Inheritance: Autosomal dominant inheritance.

Eurofins Ntd Llc (ga)
Classification: Benign. Last evaluated: 2013-03-12. Review status: criteria provided, single submitter. Criteria: EGL Classification Definitions 2015. Collection method: clinical testing. Allele origin: germline. Observed: 1 variant allele, 1 heterozygote.

Laboratory for Molecular Medicine, Mass General Brigham Personalized Medicine
Classification: Benign. Last evaluated: 2011-09-19. Review status: criteria provided, single submitter. Criteria: LMM Criteria. Collection method: clinical testing. Allele origin: germline. Observed: 60 variant alleles.
Comment: Ile223Ile in exon 3 of DES: This variant is classified as benign because it does not change the amino acid and is frequent in the general population (rs7588268, MAF >1%).

Women's Health and Genetics/Laboratory Corporation of America, LabCorp
Classification: Benign for Cardiomyopathy. Last evaluated: 2011-08-18. Review status: criteria provided, single submitter. Criteria: LabCorp Variant Classification Summary - May 2015. Collection method: curation. Allele origin: germline. Inheritance: autosomal unknown. Affected: yes.
ClinVar note: Converted during submission from benign to Benign.

Breakthrough Genomics
Classification: Likely benign. Review status: criteria provided, single submitter. Criteria: ACMG Guidelines, 2015. Collection method: not provided. Allele origin: germline. Inheritance: Autosomal recessive inheritance. Affected: yes.

PreventionGenetics, part of Exact Sciences
Classification: Benign. Review status: criteria provided, single submitter. Criteria: ACMG Guidelines, 2015. Collection method: clinical testing. Allele origin: germline.

Clinical Genetics DNA and cytogenetics Diagnostics Lab, Erasmus MC, Erasmus Medical Center
Classification: Benign. Review status: no assertion criteria provided. Collection method: clinical testing. Allele origin: germline. Affected: yes. Study: VKGL Data-share Consensus. Not counted in ClinVar's aggregate classification.

Clinical Genetics, Academic Medical Center
Classification: Benign. Review status: no assertion criteria provided. Collection method: clinical testing. Allele origin: germline. Affected: yes. Study: VKGL Data-share Consensus. Not counted in ClinVar's aggregate classification.

Joint Genome Diagnostic Labs from Nijmegen and Maastricht, Radboudumc and MUMC+
Classification: Benign. Review status: no assertion criteria provided. Collection method: clinical testing. Allele origin: germline. Affected: yes. Study: VKGL Data-share Consensus. Not counted in ClinVar's aggregate classification.

Laboratory of Diagnostic Genome Analysis, Leiden University Medical Center (LUMC)
Classification: Likely benign. Review status: no assertion criteria provided. Collection method: clinical testing. Allele origin: germline. Affected: yes. Study: VKGL Data-share Consensus. Not counted in ClinVar's aggregate classification.

NM_001927.4(DES):c.669T>C (p.Ile223=)

Gene: DES (desmin; plus strand). Cytogenetic location: 2q35.
Variant type: single nucleotide variant.
Coding change: c.669T>C on transcript NM_001927.4 (MANE Select); coding-DNA position 669, T replaced by C.
Protein change: p.Ile223=; no amino-acid change (isoleucine 223 retained).
Molecular consequence: synonymous variant.
Genome position (GRCh38, 1-based): chr2:219,420,280, T>C. VCF-style: chr2-219420280-T-C. GRCh37 (hg19) VCF-style: chr2-220285002-T-C.
Other names: p.Ile223=.
Identifiers: ClinVar variation 36001 (VCV000036001.47), dbSNP rs75882680, ClinGen allele CA133866.
Genomic context (GRCh38, chr2:219,420,280, plus strand): 5'-GACCATGTCCTTCTCGCTTGGCCTCTCCCAGGACGTGGATGCAGCTACTCTAGCTCGCAT[T>C]GACCTGGAGCGCAGAATTGAATCTCTCAACGAGGAGATCGCGTTCCTTAAGAAAGTGCAT-3'
Protein context (NP_001918.3, residues 213-233): ADVDAATLAR[Ile223=]DLERRIESLN